The following is an entry in ClinVar:

ClinVar aggregate classification (germline): Likely pathogenic (1 of 4 stars; one submission).

Allele frequency attached by ClinVar (database versions not stated): gnomAD exomes 0.00002.
gnomAD v4.1: 55 of 1,613,308 alleles (0.0034%); highest among the groups gnomAD compares: Non-Finnish European, 0.0045%; no homozygotes.

Submission:

Centre of Medical Genetics, University Hospital Muenster
Classification: Likely pathogenic. Last evaluated: 2022-07-15. Review status: criteria provided, single submitter. Criteria: ACMG Guidelines, 2015. Collection method: clinical testing. Allele origin: unknown. Affected: yes. Observed: 1 variant allele, 1 heterozygote.
Comment: ACMG categories: PS5,PM2,PP3

NM_000095.3(COMP):c.529-2A>T

Gene: COMP (cartilage oligomeric matrix protein; minus strand). Cytogenetic location: 19p13.11.
Variant type: single nucleotide variant.
Coding change: c.529-2A>T on transcript NM_000095.3 (MANE Select); the canonical splice acceptor site of the intron before coding-DNA position 529, A replaced by T.
Molecular consequence: splice acceptor variant.
Genome position (GRCh38, 1-based): chr19:18,788,915, T>A on the plus strand (A>T on the coding strand, the complement: COMP is on the minus strand). VCF-style: chr19-18788915-T-A. GRCh37 (hg19) VCF-style: chr19-18899724-T-A.
Identifiers: ClinVar variation 1700695 (VCV001700695.2), dbSNP rs1010796800, ClinGen allele CA306258452.